The following is an entry in ClinVar:

ClinVar aggregate classification (germline): Uncertain significance (1 of 4 stars; one submission).

Submission:

GeneDx
Classification: Uncertain significance. Last evaluated: 2024-09-15. Review status: criteria provided, single submitter. Criteria: GeneDx Variant Classification Process June 2021. Collection method: clinical testing. Allele origin: germline. Affected: yes.
Comment: Not observed at significant frequency in large population cohorts (gnomAD); In silico analysis indicates that this missense variant does not alter protein structure/function; Has not been previously published as pathogenic or benign to our knowledge; In silico analysis suggests this variant may impact gene splicing. In the absence of RNA/functional studies, the actual effect of this sequence change is unknown.

NM_002693.3(POLG):c.3057G>T (p.Trp1019Cys)

Gene: POLG (DNA polymerase gamma, catalytic subunit; minus strand). Cytogenetic location: 15q26.1.
Variant type: single nucleotide variant.
Coding change: c.3057G>T on transcript NM_002693.3 (MANE Select); coding-DNA position 3057, G replaced by T.
Protein change: p.Trp1019Cys; replaces tryptophan 1019 with cysteine.
Molecular consequence: missense variant.
Genome position (GRCh38, 1-based): chr15:89,319,275, C>A on the plus strand (G>T on the coding strand, the complement: POLG is on the minus strand). VCF-style: chr15-89319275-C-A. GRCh37 (hg19) VCF-style: chr15-89862506-C-A.
Other names: c.3057G>T, p.Trp1019Cys (NM_001126131.2); short protein forms W1019C.
Identifiers: ClinVar variation 3770109 (VCV003770109.1).
Genomic context (GRCh38, chr15:89,319,275, plus strand): 5'-AGAAGGTTCTTACTTCCTTGCAGTTTCTCTCTGGACCTTGCGCAGATCCTGCAGGGAAAT[C>A]CAGCCACCCTCAGTCCTGTCCACTGGGAGGTTCAACTCCCTCACCAGCCACTCGCCCTCA-3'
Protein context (NP_002684.1, residues 1009-1029): NLPVDRTEGG[Trp1019Cys]ISLQDLRKVQ